The following is an entry in ClinVar:

ClinVar aggregate classification (germline): Uncertain significance (1 of 4 stars; one submission).

gnomAD v4.1: 2 of 1,613,360 alleles (0.00012%); highest among the groups gnomAD compares: Admixed American, 0.0017%; no homozygotes.

Submission:

Labcorp Genetics (formerly Invitae), Labcorp
Classification: Uncertain significance. Last evaluated: 2025-10-06. Review status: criteria provided, single submitter. Criteria: Invitae Variant Classification Sherloc (09022015). Collection method: clinical testing. Allele origin: germline.
Comment: This sequence change falls in intron 1 of the IL18BP gene. It does not directly change the encoded amino acid sequence of the IL18BP protein. This variant is present in population databases (no rsID available, gnomAD 0.003%). This variant has not been reported in the literature in individuals affected with IL18BP-related conditions. Algorithms developed to predict the effect of sequence changes on RNA splicing suggest that this variant may disrupt the consensus splice site. In summary, the available evidence is currently insufficient to determine the role of this variant in disease. Therefore, it has been classified as a Variant of Uncertain Significance.

NM_001039660.2(IL18BP):c.29-5C>A

Gene: IL18BP (interleukin 18 binding protein; plus strand). Cytogenetic location: 11q13.4.
Variant type: single nucleotide variant.
Coding change: c.29-5C>A on transcript NM_001039660.2 (MANE Select); 5 bases into the intron before coding-DNA position 29, C replaced by A.
Molecular consequence: intron variant.
Genome position (GRCh38, 1-based): chr11:72,000,346, C>A. VCF-style: chr11-72000346-C-A. GRCh37 (hg19) VCF-style: chr11-71711392-C-A.
Other names: c.29-5C>A (NM_001039659.2, NM_173044.3, NM_005699.3 and 3 more transcripts).
Identifiers: ClinVar variation 4760776 (VCV004760776.1).